The following is an entry in ClinVar:

NM_001197104.2(KMT2A):c.8857G>C (p.Ala2953Pro)

Gene: KMT2A (lysine methyltransferase 2A; plus strand). Cytogenetic location: 11q23.3.
Variant type: single nucleotide variant.
Coding change: c.8857G>C on transcript NM_001197104.2 (MANE Select); coding-DNA position 8857, G replaced by C.
Protein change: p.Ala2953Pro; replaces alanine 2953 with proline.
Molecular consequence: missense variant.
Genome position (GRCh38, 1-based): chr11:118,504,749, G>C. VCF-style: chr11-118504749-G-C. GRCh37 (hg19) VCF-style: chr11-118375464-G-C.
Other names: c.8947G>C, p.Ala2983Pro (NM_001412597.1); c.8848G>C, p.Ala2950Pro (NM_005933.4); short protein forms A2950P, A2983P, A2953P.
Identifiers: ClinVar variation 3634346 (VCV003634346.2).

ClinVar aggregate classification (germline): Uncertain significance (1 of 4 stars; one submission).

Submission:

Labcorp Genetics (formerly Invitae), Labcorp
Classification: Uncertain significance. Last evaluated: 2024-07-27. Review status: criteria provided, single submitter. Criteria: Invitae Variant Classification Sherloc (09022015). Collection method: clinical testing. Allele origin: germline.
Comment: This sequence change replaces alanine, which is neutral and non-polar, with proline, which is neutral and non-polar, at codon 2953 of the KMT2A protein (p.Ala2953Pro). This variant is not present in population databases (gnomAD no frequency). This variant has not been reported in the literature in individuals affected with KMT2A-related conditions. Advanced modeling of protein sequence and biophysical properties (such as structural, functional, and spatial information, amino acid conservation, physicochemical variation, residue mobility, and thermodynamic stability) performed at Invitae indicates that this missense variant is not expected to disrupt KMT2A protein function with a negative predictive value of 95%. In summary, the available evidence is currently insufficient to determine the role of this variant in disease. Therefore, it has been classified as a Variant of Uncertain Significance.